The following is an entry in ClinVar:

ClinVar aggregate classification (germline): Conflicting classifications of pathogenicity. Review status: criteria provided, conflicting classifications (1 of 4 stars). 9 submissions from 7 submitters: Uncertain significance (3); Likely benign (4). 2 of the submissions do not count toward it. Last evaluated 2026-01-19.

Conditions:
Congenital multicore myopathy with external ophthalmoplegia (CMYO1B). Also called: MULTIMINICORE DISEASE WITH EXTERNAL OPHTHALMOPLEGIA; MULTICORE MYOPATHY; Congenital myopathy 1B, autosomal recessive; Minicore myopathy; Minicore myopathy with external ophthalmoplegia. Identifiers: Orphanet 598, Orphanet 98905, MedGen C1850674, MONDO:0009712, OMIM 255320, HP:0003789.
Central core myopathy (CMYO1A). Also called: CONGENITAL MYOPATHY 1A, AUTOSOMAL DOMINANT, WITH SUSCEPTIBILITY TO MALIGNANT HYPERTHERMIA; Central core disease; Myopathy, central fibrillar. Identifiers: Orphanet 597, MedGen C5830701, MONDO:0007294, OMIM 117000.
Malignant hyperthermia, susceptibility to, 1 (MHS1). Also called: Anesthesia related hyperthermia; Malignant hyperpyrexia; Fulminating hyperpyrexia; Pharmacogenic myopathy; RYR1-Related Malignant Hyperthermia Susceptibility; Malignant hyperthermia suceptibility 1. Identifiers: Orphanet 423, MedGen C2930980, MONDO:0007783, OMIM 145600.
RYR1-related disorder. Also called: RYR1-related disorders; RYR1-related condition. Identifiers: MedGen CN239331.

Allele frequency attached by ClinVar (database versions not stated): ExAC 0.00004; gnomAD exomes 0.00005 and 0.00013; TOPMed 0.00006; gnomAD 0.00010.
gnomAD v4.1: 195 of 1,613,920 alleles (0.012%); highest among the groups gnomAD compares: Non-Finnish European, 0.016%; no homozygotes.

Submissions (9):

Labcorp Genetics (formerly Invitae), Labcorp
Classification: Likely benign for RYR1-related disorder. Last evaluated: 2026-01-19. Review status: criteria provided, single submitter. Criteria: Invitae Variant Classification Sherloc (09022015). Collection method: clinical testing. Allele origin: germline.

Blueprint Genetics
Classification: Likely benign. Last evaluated: 2023-11-06. Review status: criteria provided, single submitter. Criteria: ACMG Guidelines, 2015. Collection method: clinical testing. Allele origin: germline.

Color Diagnostics, LLC DBA Color Health
Classification: Likely benign for Malignant hyperthermia, susceptibility to, 1. Last evaluated: 2022-11-06. Review status: criteria provided, single submitter. Criteria: ACMG Guidelines, 2015. Collection method: clinical testing. Allele origin: germline.

GeneDx
Classification: Likely benign. Last evaluated: 2018-09-10. Review status: criteria provided, single submitter. Criteria: GeneDx Variant Classification Process June 2021. Collection method: clinical testing. Allele origin: germline. Affected: yes.

Illumina Laboratory Services, Illumina
Classification: Uncertain significance for Congenital multicore myopathy with external ophthalmoplegia. Last evaluated: 2018-01-13. Review status: criteria provided, single submitter. Criteria: ICSL Variant Classification Criteria 13 December 2019. Collection method: clinical testing. Allele origin: germline.

Illumina Laboratory Services, Illumina
Classification: Uncertain significance for Central core myopathy. Last evaluated: 2018-01-13. Review status: criteria provided, single submitter. Criteria: ICSL Variant Classification Criteria 13 December 2019. Collection method: clinical testing. Allele origin: germline.

Illumina Laboratory Services, Illumina
Classification: Uncertain significance for Malignant hyperthermia, susceptibility to, 1. Last evaluated: 2018-01-13. Review status: criteria provided, single submitter. Criteria: ICSL Variant Classification Criteria 13 December 2019. Collection method: clinical testing. Allele origin: germline.

PreventionGenetics, part of Exact Sciences
Classification: Likely benign for RYR1-related condition. Last evaluated: 2020-01-22. Review status: no assertion criteria provided. Collection method: clinical testing. Allele origin: germline. Not counted in ClinVar's aggregate classification.
Comment: This variant is classified as likely benign based on ACMG/AMP sequence variant interpretation guidelines (Richards et al. 2015 PMID: 25741868, with internal and published modifications).

Knight Diagnostic Laboratories, Oregon Health and Sciences University
Classification: Uncertain significance for Malignant hyperthermia, susceptibility to, 1. Last evaluated: 2015-09-01. Review status: no assertion criteria provided. Criteria: ACMG Guidelines, 2015. Collection method: clinical testing. Allele origin: germline. Affected: no. Study: CSER-NextGen. Not counted in ClinVar's aggregate classification.

NM_000540.3(RYR1):c.14670G>C (p.Val4890=)

Gene: RYR1 (ryanodine receptor 1; plus strand). Cytogenetic location: 19q13.2.
Variant type: single nucleotide variant.
Coding change: c.14670G>C on transcript NM_000540.3 (MANE Select); coding-DNA position 14670, G replaced by C.
Protein change: p.Val4890=; no amino-acid change (valine 4890 retained).
Molecular consequence: synonymous variant.
Genome position (GRCh38, 1-based): chr19:38,584,966, G>C. VCF-style: chr19-38584966-G-C. GRCh37 (hg19) VCF-style: chr19-39075606-G-C.
Other names: c.14655G>C, p.Val4885= (NM_001042723.2).
Identifiers: ClinVar variation 329138 (VCV000329138.23), dbSNP rs773080803, ClinGen allele CA061510.